The following is an entry in ClinVar:

NM_014639.4(SKIC3):c.1515C>T (p.Asp505=)

Gene: SKIC3 (SKI3 subunit of superkiller complex; minus strand). Cytogenetic location: 5q15.
Variant type: single nucleotide variant.
Coding change: c.1515C>T on transcript NM_014639.4 (MANE Select); coding-DNA position 1515, C replaced by T.
Protein change: p.Asp505=; no amino-acid change (aspartic acid 505 retained).
Molecular consequence: synonymous variant.
Genome position (GRCh38, 1-based): chr5:95,523,772, G>A on the plus strand (C>T on the coding strand, the complement: SKIC3 is on the minus strand). VCF-style: chr5-95523772-G-A. GRCh37 (hg19) VCF-style: chr5-94859476-G-A.
Identifiers: ClinVar variation 1911573 (VCV001911573.7), dbSNP rs150413185, ClinGen allele CA122861048.
Genomic context (GRCh38, chr5:95,523,772, plus strand): 5'-GTCATCTAATTCAAAGGCTTTCCTATAACATCCACGAGCTCTGTTTTTATCTCCCACTAC[G>A]TCTCTATAATAATGACCTAAATAGCAGAAAACTTTGCCCATATATGTATCCAGTCTTGCA-3'
Protein context (NP_055454.1, residues 495-515): VFCYLGHYYR[Asp505=]VVGDKNRARG

ClinVar aggregate classification (germline): Likely benign. Review status: criteria provided, multiple submitters, no conflicts (2 of 4 stars). 3 submissions from 3 submitters: Likely benign (3). Last evaluated 2026-07-19.

Conditions:
SKIC3-related disorder. Also called: SKIC3-related condition.

Allele frequency attached by ClinVar (database versions not stated): TOPMed 0.00008; gnomAD exomes 0.00011; ESP Exome Variant Server 0.00015.
gnomAD v4.1: 170 of 1,613,342 alleles (0.011%); highest among the groups gnomAD compares: Non-Finnish European, 0.013%; no homozygotes.

Submissions (3):

PreventionGenetics, part of Exact Sciences
Classification: Likely benign for SKIC3-related condition. Last evaluated: 2026-07-19. Review status: criteria provided, single submitter. Criteria: ACMG Guidelines, 2015. Collection method: clinical testing. Allele origin: germline.
Comment: This variant is classified as likely benign based on ACMG/AMP sequence variant interpretation guidelines (Richards et al. 2015 PMID: 25741868, with internal and published modifications).

Labcorp Genetics (formerly Invitae), Labcorp
Classification: Likely benign. Last evaluated: 2026-01-11. Review status: criteria provided, single submitter. Criteria: Invitae Variant Classification Sherloc (09022015). Collection method: clinical testing. Allele origin: germline.

Blueprint Genetics
Classification: Likely benign. Last evaluated: 2023-03-22. Review status: criteria provided, single submitter. Criteria: ACMG Guidelines, 2015. Collection method: clinical testing. Allele origin: germline.